The following is an entry in ClinVar:

NM_001083961.2(WDR62):c.589G>A (p.Val197Ile)

Gene: WDR62 (WD repeat domain 62; plus strand). Cytogenetic location: 19q13.12.
Variant type: single nucleotide variant.
Coding change: c.589G>A on transcript NM_001083961.2 (MANE Select); coding-DNA position 589, G replaced by A.
Protein change: p.Val197Ile; replaces valine 197 with isoleucine.
Molecular consequence: missense variant.
Genome position (GRCh38, 1-based): chr19:36,067,333, G>A. VCF-style: chr19-36067333-G-A. GRCh37 (hg19) VCF-style: chr19-36558235-G-A.
Other names: c.589G>A, p.Val197Ile (NM_173636.5); short protein forms V197I.
Identifiers: ClinVar variation 160306 (VCV000160306.10), dbSNP rs535488873, ClinGen allele CA272807.
Genomic context (GRCh38, chr19:36,067,333, plus strand): 5'-CTGGCATGAGCTTCTCTGCACTTATTCTTCCAGAAAGACATCGTAGTGGCCTCCAACAAG[G>A]TATCTTGTAGAGTCATTGCCCTCTCCTTCTCAGAGGACAGCAGCTATTTTGTCACTGTTG-3'
Protein context (NP_001077430.1, residues 187-207): KKDIVVASNK[Val197Ile]SCRVIALSFS

ClinVar aggregate classification (germline): Uncertain significance. Review status: criteria provided, multiple submitters, no conflicts (2 of 4 stars). 2 submissions from 2 submitters: Uncertain significance (2). Last evaluated 2025-12-15.

Conditions:
Microcephaly 2, primary, autosomal recessive, with or without cortical malformations. Also called: MICROCEPHALY 2, PRIMARY, AUTOSOMAL RECESSIVE, WITH CORTICAL MALFORMATIONS; WDR62 Primary Microcephaly. Identifiers: Orphanet 2512, MedGen C1858535, MONDO:0011435, OMIM 604317.

Allele frequency attached by ClinVar (database versions not stated): TOPMed 0.00002; gnomAD 0.00004 and 0.00008; 1000 Genomes Project 30x 0.00016; 1000 Genomes Project 0.00020.
gnomAD v4.1: 180 of 1,614,166 alleles (0.011%); highest among the groups gnomAD compares: South Asian, 0.15%; 1 homozygote.

Submissions (2):

Labcorp Genetics (formerly Invitae), Labcorp
Classification: Uncertain significance. Last evaluated: 2025-12-15. Review status: criteria provided, single submitter. Criteria: Invitae Variant Classification Sherloc (09022015). Collection method: clinical testing. Allele origin: germline.
Comment: This sequence change replaces valine, which is neutral and non-polar, with isoleucine, which is neutral and non-polar, at codon 197 of the WDR62 protein (p.Val197Ile). This variant is present in population databases (rs535488873, gnomAD 0.2%). This variant has not been reported in the literature in individuals affected with WDR62-related conditions. ClinVar contains an entry for this variant (Variation ID: 160306). Invitae Evidence Modeling of protein sequence and biophysical properties (such as structural, functional, and spatial information, amino acid conservation, physicochemical variation, residue mobility, and thermodynamic stability) indicates that this missense variant is not expected to disrupt WDR62 protein function with a negative predictive value of 80%. In summary, the available evidence is currently insufficient to determine the role of this variant in disease. Therefore, it has been classified as a Variant of Uncertain Significance.

Genetic Services Laboratory, University of Chicago
Classification: Uncertain significance for Microcephaly 2, primary, autosomal recessive, with or without cortical malformations. Last evaluated: 2013-02-08. Review status: criteria provided, single submitter. Criteria: ACMG Guidelines, 2007. Collection method: clinical testing. Allele origin: germline. Inheritance: Autosomal recessive inheritance.